The following is an entry in ClinVar:

ClinVar aggregate classification (germline): Uncertain significance (1 of 4 stars; one submission).

Conditions:
Familial meningioma. Also called: Meningioma, familial, susceptibility to. Identifiers: Orphanet 263662, MedGen C3551915, MONDO:0011789, OMIM 607174.

gnomAD v4.1: 442 of 1,231,486 alleles (0.036%); highest among the groups gnomAD compares: Admixed American, 0.072%; no homozygotes.

Submission:

Dr. Guy Rouleau's laboratory, McGill University
Classification: Uncertain significance for Familial meningioma. Last evaluated: 2025-03-22. Review status: criteria provided, single submitter. Criteria: ACMG Guidelines, 2015. Collection method: research. Allele origin: germline. Affected: yes.
Comment: This missense variant at the position 216, is change from an Aspartic Acid (D), an acidic amino acid to Valine (V), neutral and nonpolar aminoacid in RAB44 gene. This variant has been reported in population database (gnomAD v2.1.1 allele frequency =0.0003458, genome coverage 31X). Based on the available evidence, the clinical significance of this variant is unknown.

NM_001257357.2(RAB44):c.647A>T (p.Asp216Val)

Gene: RAB44 (RAB44, member RAS oncogene family; plus strand). Cytogenetic location: 6p21.2.
Variant type: single nucleotide variant.
Coding change: c.647A>T on transcript NM_001257357.2 (MANE Select); coding-DNA position 647, A replaced by T.
Protein change: p.Asp216Val; replaces aspartic acid 216 with valine.
Molecular consequence: missense variant.
Genome position (GRCh38, 1-based): chr6:36,718,033, A>T. VCF-style: chr6-36718033-A-T. GRCh37 (hg19) VCF-style: chr6-36685810-A-T.
Other names: short protein forms D216V.
Identifiers: ClinVar variation 3774538 (VCV003774538.1).